The following is an entry in ClinVar:

NM_145725.3(TRAF3):c.960G>A (p.Gln320=)

Gene: TRAF3 (TNF receptor associated factor 3; plus strand). Cytogenetic location: 14q32.32.
Variant type: single nucleotide variant.
Coding change: c.960G>A on transcript NM_145725.3 (MANE Select); coding-DNA position 960, G replaced by A.
Protein change: p.Gln320=; no amino-acid change (glutamine 320 retained).
Molecular consequence: synonymous variant. On other transcripts: intron variant (1).
Genome position (GRCh38, 1-based): chr14:102,897,401, G>A. VCF-style: chr14-102897401-G-A. GRCh37 (hg19) VCF-style: chr14-103363738-G-A.
Other names: c.711G>A, p.Gln237= (NM_001199427.2); c.879G>A, p.Gln293= (NM_001385143.1); c.960G>A, p.Gln320= (NM_003300.4); c.885G>A, p.Gln295= (NM_145726.3); c.820-5854G>A (NM_001385142.1).
Identifiers: ClinVar variation 2126041 (VCV002126041.4), dbSNP rs2542584492, ClinGen allele CA487988225.

ClinVar aggregate classification (germline): Uncertain significance (1 of 4 stars; one submission).

Conditions:
Immunodeficiency 132A. Also called: Herpes simplex encephalitis, susceptibility to, 3. Identifiers: Orphanet 1930, MedGen C3553868, MONDO:0013920, OMIM 614849.

Submission:

Labcorp Genetics (formerly Invitae), Labcorp
Classification: Uncertain significance for Immunodeficiency 132A. Last evaluated: 2023-10-13. Review status: criteria provided, single submitter. Criteria: Invitae Variant Classification Sherloc (09022015). Collection method: clinical testing. Allele origin: germline.
Comment: This sequence change affects codon 320 of the TRAF3 mRNA. It is a 'silent' change, meaning that it does not change the encoded amino acid sequence of the TRAF3 protein. This variant also falls at the last nucleotide of exon 9, which is part of the consensus splice site for this exon. This variant is not present in population databases (gnomAD no frequency). This variant has not been reported in the literature in individuals affected with TRAF3-related conditions. ClinVar contains an entry for this variant (Variation ID: 2126041). Variants that disrupt the consensus splice site are a relatively common cause of aberrant splicing (PMID: 17576681, 9536098). Algorithms developed to predict the effect of sequence changes on RNA splicing suggest that this variant is not likely to affect RNA splicing. In summary, the available evidence is currently insufficient to determine the role of this variant in disease. Therefore, it has been classified as a Variant of Uncertain Significance.

Literature cited by the submitters: PubMed 17576681; PubMed 9536098.